The following is an entry in ClinVar:

ClinVar aggregate classification (germline): Uncertain significance (1 of 4 stars; one submission).

Submission:

GeneDx
Classification: Uncertain significance. Last evaluated: 2025-06-06. Review status: criteria provided, single submitter. Criteria: GeneDx Variant Classification Process June 2021. Collection method: clinical testing. Allele origin: germline. Affected: yes.
Comment: Not observed at significant frequency in large population cohorts (gnomAD); In silico analysis supports that this missense variant has a deleterious effect on protein structure/function; Has not been previously published as pathogenic or benign to our knowledge

NM_004999.4(MYO6):c.520A>C (p.Thr174Pro)

Gene: MYO6 (myosin VI; plus strand). Cytogenetic location: 6q14.1.
Variant type: single nucleotide variant.
Coding change: c.520A>C on transcript NM_004999.4 (MANE Select); coding-DNA position 520, A replaced by C.
Protein change: p.Thr174Pro; replaces threonine 174 with proline.
Molecular consequence: missense variant. On other transcripts: non-coding transcript variant (2).
Genome position (GRCh38, 1-based): chr6:75,835,923, A>C. VCF-style: chr6-75835923-A-C. GRCh37 (hg19) VCF-style: chr6-76545640-A-C.
Other names: c.520A>C, p.Thr174Pro (NM_001368136.1, NM_001368137.1, NM_001368138.1 and 5 more transcripts); short protein forms T174P.
Identifiers: ClinVar variation 4536208 (VCV004536208.1).